The following is an entry in ClinVar:

ClinVar aggregate classification (germline): Conflicting classifications of pathogenicity. Review status: criteria provided, conflicting classifications (1 of 4 stars). 4 submissions from 4 submitters: Uncertain significance (2); Likely benign (2). Last evaluated 2025-09-23.

Conditions:
RASopathy. Also called: rasopathies; Noonan spectrum disorder. Identifiers: Orphanet 536391, MedGen C5555857, MONDO:0021060.
Cardiovascular phenotype. Identifiers: MedGen CN230736.

Allele frequency attached by ClinVar (database versions not stated): gnomAD exomes 0.00001 and 0.00002; TOPMed 0.00002; gnomAD 0.00003.
gnomAD v4.1: 37 of 1,614,126 alleles (0.0023%); highest among the groups gnomAD compares: Non-Finnish European, 0.0027%; no homozygotes.

Submissions (4):

Labcorp Genetics (formerly Invitae), Labcorp
Classification: Likely benign for RASopathy. Last evaluated: 2025-09-23. Review status: criteria provided, single submitter. Criteria: Invitae Variant Classification Sherloc (09022015). Collection method: clinical testing. Allele origin: germline.

Revvity Omics, Revvity
Classification: Likely benign. Last evaluated: 2025-04-16. Review status: criteria provided, single submitter. Criteria: ACMG Guidelines, 2015. Collection method: clinical testing. Allele origin: germline.

Ambry Genetics
Classification: Uncertain significance for Cardiovascular phenotype. Last evaluated: 2024-12-03. Review status: criteria provided, single submitter. Criteria: Ambry Variant Classification Scheme 2023. Collection method: clinical testing. Allele origin: germline.
Comment: The p.K889R variant (also known as c.2666A>G), located in coding exon 16 of the CBL gene, results from an A to G substitution at nucleotide position 2666. The lysine at codon 889 is replaced by arginine, an amino acid with highly similar properties. This amino acid position is conserved. In addition, this alteration is predicted to be tolerated by in silico analysis. Since supporting evidence is limited at this time, the clinical significance of this alteration remains unclear.

Genetic Services Laboratory, University of Chicago
Classification: Uncertain significance. Last evaluated: 2021-06-28. Review status: criteria provided, single submitter. Criteria: ACMG Guidelines, 2015. Collection method: clinical testing. Allele origin: germline. Affected: no.
Comment: DNA sequence analysis of the CBL gene demonstrated a sequence change, c.2666A>G, in exon 16 that results in an amino acid change, p.Lys889Arg. This sequence change has been described in the gnomAD database with a frequency of 0.0062% in the African/African American subpopulation (dbSNP rs1369884955). The p.Lys889Arg change affects a moderately conserved amino acid residue located in a domain of the CBL protein that is known to be functional. The p.Lys889Arg substitution appears to be benign using several in-silico pathogenicity prediction tools (SIFT, PolyPhen2, Align GVGD, REVEL). This sequence change does not appear to have been previously described in individuals with CBL-related disorders. Due to insufficient evidences and the lack of functional studies, the clinical significance of the p.Lys889Arg change remains unknown at this time.

NM_005188.4(CBL):c.2666A>G (p.Lys889Arg)

Gene: CBL (Cbl proto-oncogene; plus strand). Cytogenetic location: 11q23.3.
Variant type: single nucleotide variant.
Coding change: c.2666A>G on transcript NM_005188.4 (MANE Select); coding-DNA position 2666, A replaced by G.
Protein change: p.Lys889Arg; replaces lysine 889 with arginine.
Molecular consequence: missense variant.
Genome position (GRCh38, 1-based): chr11:119,299,726, A>G. VCF-style: chr11-119299726-A-G. GRCh37 (hg19) VCF-style: chr11-119170436-A-G.
Other names: short protein forms K889R.
Identifiers: ClinVar variation 477710 (VCV000477710.21), dbSNP rs1369884955, ClinGen allele CA382933899.